The following is an entry in ClinVar:

ClinVar aggregate classification (germline): Likely pathogenic (1 of 4 stars; one submission).

Submission:

GeneDx
Classification: Likely pathogenic. Last evaluated: 2024-05-28. Review status: criteria provided, single submitter. Criteria: GeneDx Variant Classification Process June 2021. Collection method: clinical testing. Allele origin: germline. Affected: yes.
Comment: Canonical splice site variant predicted to result in an in-frame loss of the adjacent exon in a gene for which loss of function is a known mechanism of disease; Not observed at significant frequency in large population cohorts (gnomAD); Has not been previously published as pathogenic or benign to our knowledge

NM_052867.4(NALCN):c.3489+1G>T

Gene: NALCN (sodium leak channel, non-selective; minus strand). Cytogenetic location: 13q32.3.
Variant type: single nucleotide variant.
Coding change: c.3489+1G>T on transcript NM_052867.4 (MANE Select); the canonical splice donor site of the intron after coding-DNA position 3489, G replaced by T.
Molecular consequence: splice donor variant.
Genome position (GRCh38, 1-based): chr13:101,089,662, C>A on the plus strand (G>T on the coding strand, the complement: NALCN is on the minus strand). VCF-style: chr13-101089662-C-A. GRCh37 (hg19) VCF-style: chr13-101742013-C-A.
Other names: c.3402+1G>T (NM_001350751.2, NM_001350750.2); c.3489+1G>T (NM_001350749.2); c.3576+1G>T (NM_001350748.2).
Identifiers: ClinVar variation 3383472 (VCV003383472.1).